The following is an entry in ClinVar:

NM_001754.5(RUNX1):c.723C>G (p.His241Gln)

Gene: RUNX1 (RUNX family transcription factor 1; minus strand). Cytogenetic location: 21q22.12.
Variant type: single nucleotide variant.
Coding change: c.723C>G on transcript NM_001754.5 (MANE Select); coding-DNA position 723, C replaced by G.
Protein change: p.His241Gln; replaces histidine 241 with glutamine.
Molecular consequence: missense variant.
Genome position (GRCh38, 1-based): chr21:34,834,492, G>C on the plus strand (C>G on the coding strand, the complement: RUNX1 is on the minus strand). VCF-style: chr21-34834492-G-C. GRCh37 (hg19) VCF-style: chr21-36206789-G-C.
Other names: NM_001754.5(RUNX1):c.723C>G; p.His241Gln; c.642C>G, p.His214Gln (NM_001001890.3, NM_001122607.2); c.723C>G (NM_001754.4); short protein forms H214Q, H241Q.
Identifiers: ClinVar variation 1382220 (VCV001382220.10), dbSNP rs2057112854, ClinGen allele CA410206821.

ClinVar aggregate classification (germline): Uncertain significance. Review status: reviewed by expert panel (3 of 4 stars). 3 submissions from 3 submitters: Uncertain significance (1). 2 of the submissions do not count toward it. Last evaluated 2024-07-25.

Conditions:
Hereditary thrombocytopenia and hematologic cancer predisposition syndrome. Identifiers: Orphanet 71290, MedGen CN281654, MONDO:0011071.
Inborn genetic diseases. Identifiers: MedGen C0950123, MeSH D030342.
Hereditary thrombocytopenia and hematological cancer predisposition syndrome associated with RUNX1. Also called: PLATELET DISORDER, ASPIRIN-LIKE; Familial Platelet Disorder with Propensity to Acute Myelogenous Leukemia; Familial thrombocytopenia with propensity to acute myelogenous leukemia; RUNX1 Familial Platelet Disorder with Associated Myeloid Malignancies. Identifiers: Orphanet 71290, MedGen C1832388, MeSH C563324, MONDO:0100083, OMIM 601399.

Submissions (3):

ClinGen Myeloid Malignancy Variant Curation Expert Panel
Classification: Uncertain significance for Hereditary thrombocytopenia and hematologic cancer predisposition syndrome. Last evaluated: 2024-07-25. Review status: reviewed by expert panel. Criteria: ClinGen MyeloMalig ACMG Specifications v2. Collection method: curation. Allele origin: germline. Inheritance: Autosomal dominant inheritance.
Comment: NM_001754.5(RUNX1):c.723C>G (p.His241Gln) is a missense variant which is entirely absent from all population databases, including gnomAD v2.1.1 and v3.1.2, which provide coverage of at least 20x for the RUNX1 gene at this genomic position (PM2_supporting). Prediction scores cannot be considered, as this missense variant has a REVEL score of 0.633. Additionally, the affected amino acid residue, number 241, falls outside the RHD or residues 89-204. Furthermore, to our knowledge, there is no previous record of this variant, and no other pathogenic or likely pathogenic missense variants affecting the same amino acid residue or resulting in the same residue have been reported. In summary, the clinical significance of this variant is uncertain, and it meets ACMG/AMP criteria as specified by the Myeloid Malignancy Variant Curation Expert Panel for RUNX1: PM2_supporting.

Ambry Genetics
Classification: Uncertain significance for Inborn genetic diseases. Last evaluated: 2026-07-07. Review status: criteria provided, single submitter. Criteria: Ambry Variant Classification Scheme 2023. Collection method: clinical testing. Allele origin: germline. Not counted in ClinVar's aggregate classification.
Comment: The p.H241Q variant (also known as c.723C>G), located in coding exon 6 of the RUNX1 gene, results from a C to G substitution at nucleotide position 723. The histidine at codon 241 is replaced by glutamine, an amino acid with highly similar properties. This amino acid position is conserved. In addition, this alteration is predicted to be deleterious by in silico analysis. Based on the available evidence, the clinical significance of this variant remains unclear.

Labcorp Genetics (formerly Invitae), Labcorp
Classification: Uncertain significance for Hereditary thrombocytopenia and hematological cancer predisposition syndrome associated with RUNX1. Last evaluated: 2022-01-27. Review status: criteria provided, single submitter. Criteria: Invitae Variant Classification Sherloc (09022015). Collection method: clinical testing. Allele origin: germline. Not counted in ClinVar's aggregate classification.
Comment: In summary, the available evidence is currently insufficient to determine the role of this variant in disease. Therefore, it has been classified as a Variant of Uncertain Significance. Algorithms developed to predict the effect of missense changes on protein structure and function are either unavailable or do not agree on the potential impact of this missense change (SIFT: "Tolerated"; PolyPhen-2: "Probably Damaging"; Align-GVGD: "Class C0"). This variant has not been reported in the literature in individuals affected with RUNX1-related conditions. This variant is not present in population databases (gnomAD no frequency). This sequence change replaces histidine, which is basic and polar, with glutamine, which is neutral and polar, at codon 241 of the RUNX1 protein (p.His241Gln).